The following is an entry in ClinVar:

ClinVar aggregate classification (germline): Uncertain significance. Review status: criteria provided, multiple submitters, no conflicts (2 of 4 stars). 3 submissions from 3 submitters: Uncertain significance (3). Last evaluated 2024-07-15.

Conditions:
Cardiovascular phenotype. Identifiers: MedGen CN230736.
Cardiac arrhythmia. Also called: Arrhythmia; Cardiac rhythm disease. Identifiers: MedGen C0003811, MONDO:0007263, HP:0011675.
Long QT syndrome (LQTS). Identifiers: MedGen C0023976, MeSH D008133, MONDO:0002442. Disease mechanism: loss of function. Inheritance: Various modes of inheritance.

Allele frequency attached by ClinVar (database versions not stated): TOPMed 0.00002.
gnomAD v4.1: 3 of 1,614,204 alleles (0.00019%); highest among the groups gnomAD compares: Admixed American, 0.0033%; no homozygotes.

Submissions (3):

Labcorp Genetics (formerly Invitae), Labcorp
Classification: Uncertain significance for Long QT syndrome. Last evaluated: 2024-07-15. Review status: criteria provided, single submitter. Criteria: Invitae Variant Classification Sherloc (09022015). Collection method: clinical testing. Allele origin: germline.
Comment: This sequence change replaces glutamic acid, which is acidic and polar, with aspartic acid, which is acidic and polar, at codon 118 of the KCNH2 protein (p.Glu118Asp). This variant is present in population databases (no rsID available, gnomAD 0.006%). This variant has not been reported in the literature in individuals affected with KCNH2-related conditions. ClinVar contains an entry for this variant (Variation ID: 2058854). An algorithm developed to predict the effect of missense changes on protein structure and function (PolyPhen-2) suggests that this variant is likely to be tolerated. In summary, the available evidence is currently insufficient to determine the role of this variant in disease. Therefore, it has been classified as a Variant of Uncertain Significance.

Ambry Genetics
Classification: Uncertain significance for Cardiovascular phenotype. Last evaluated: 2024-03-20. Review status: criteria provided, single submitter. Criteria: Ambry Variant Classification Scheme 2023. Collection method: clinical testing. Allele origin: germline.
Comment: The p.E118D variant (also known as c.354G>C), located in coding exon 3 of the KCNH2 gene, results from a G to C substitution at nucleotide position 354. The glutamic acid at codon 118 is replaced by aspartic acid, an amino acid with highly similar properties. This amino acid position is highly conserved in available vertebrate species. In addition, the in silico prediction for this alteration is inconclusive. Based on the available evidence, the clinical significance of this alteration remains unclear.

Color Diagnostics, LLC DBA Color Health
Classification: Uncertain significance for Cardiac arrhythmia. Last evaluated: 2024-03-06. Review status: criteria provided, single submitter. Criteria: ACMG Guidelines, 2015. Collection method: clinical testing. Allele origin: germline.
Comment: This missense variant replaces glutamic acid with aspartic acid at codon 118 of the KCNH2 protein. Computational prediction suggests that this variant may not impact protein structure and function (internally defined REVEL score threshold <= 0.5, PMID: 27666373). To our knowledge, functional studies have not been reported for this variant. This variant has not been reported in individuals affected with KCNH2-related disorders in the literature. This variant has been identified in 2/251430 chromosomes in the general population by the Genome Aggregation Database (gnomAD). The available evidence is insufficient to determine the role of this variant in disease conclusively. Therefore, this variant is classified as a Variant of Uncertain Significance.

NM_000238.4(KCNH2):c.354G>C (p.Glu118Asp)

Gene: KCNH2 (potassium voltage-gated channel subfamily H member 2; minus strand). Cytogenetic location: 7q36.1.
Variant type: single nucleotide variant.
Coding change: c.354G>C on transcript NM_000238.4 (MANE Select); coding-DNA position 354, G replaced by C.
Protein change: p.Glu118Asp; replaces glutamic acid 118 with aspartic acid.
Molecular consequence: missense variant.
Genome position (GRCh38, 1-based): chr7:150,959,690, C>G on the plus strand (G>C on the coding strand, the complement: KCNH2 is on the minus strand). VCF-style: chr7-150959690-C-G. GRCh37 (hg19) VCF-style: chr7-150656778-C-G.
Other names: c.66G>C, p.Glu22Asp (NM_001406753.1, NM_001406756.1); c.177G>C, p.Glu59Asp (NM_001406755.1); c.54G>C, p.Glu18Asp (NM_001406757.1); c.354G>C, p.Glu118Asp (NM_172056.3); short protein forms E22D, E118D, E59D, E18D.
Identifiers: ClinVar variation 2058854 (VCV002058854.6), dbSNP rs1288219855, ClinGen allele CA369863835.